The following is an entry in ClinVar:

ClinVar aggregate classification (germline): Conflicting classifications of pathogenicity. Review status: criteria provided, conflicting classifications (1 of 4 stars). 4 submissions from 4 submitters: Uncertain significance (2); Likely benign (2). Last evaluated 2024-08-30.

Conditions:
Hereditary cancer-predisposing syndrome. Also called: Hereditary Cancer Syndrome; Tumor predisposition; Hereditary neoplastic syndrome; Neoplastic Syndromes, Hereditary. Identifiers: Orphanet 140162, MedGen C0027672, MeSH D009386, MONDO:0015356.
Hereditary breast ovarian cancer syndrome. Also called: Hereditary breast and/or ovarian cancer syndrome; Hereditary breast and ovarian cancer syndrome; Hereditary breast and ovarian cancer syndrome (HBOC); Breast and ovarian cancer; Hereditary breast and ovarian cancer; BRCA1- and BRCA2-Associated Hereditary Breast and Ovarian Cancer. Identifiers: Orphanet 145, MedGen C0677776, MeSH D061325, MONDO:0003582. Disease mechanism: loss of function.
Familial cancer of breast. Also called: Hereditary breast cancer; hereditary breast carcinoma; BREAST CANCER, FAMILIAL. Identifiers: Orphanet 227535, MedGen C0346153, MONDO:0016419, OMIM 114480. Disease mechanism: loss of function.

Allele frequency attached by ClinVar (database versions not stated): gnomAD exomes below 0.00001.
gnomAD v4.1: 1 of 1,613,254 alleles (0.000062%); highest among the groups gnomAD compares: Non-Finnish European, 0.000085%; no homozygotes.

Submissions (4):

Labcorp Genetics (formerly Invitae), Labcorp
Classification: Uncertain significance for Hereditary breast ovarian cancer syndrome. Last evaluated: 2024-08-30. Review status: criteria provided, single submitter. Criteria: Invitae Variant Classification Sherloc (09022015). Collection method: clinical testing. Allele origin: germline.
Comment: This sequence change replaces threonine, which is neutral and polar, with isoleucine, which is neutral and non-polar, at codon 1122 of the BRCA1 protein (p.Thr1122Ile). This variant is not present in population databases (gnomAD no frequency). This variant has not been reported in the literature in individuals affected with BRCA1-related conditions. ClinVar contains an entry for this variant (Variation ID: 1044703). Invitae Evidence Modeling of protein sequence and biophysical properties (such as structural, functional, and spatial information, amino acid conservation, physicochemical variation, residue mobility, and thermodynamic stability) indicates that this missense variant is not expected to disrupt BRCA1 protein function with a negative predictive value of 95%. In summary, the available evidence is currently insufficient to determine the role of this variant in disease. Therefore, it has been classified as a Variant of Uncertain Significance.

MGZ Medical Genetics Center
Classification: Likely benign for Familial cancer of breast. Last evaluated: 2024-02-09. Review status: criteria provided, single submitter. Criteria: CSpec BRCA1/2ACMG Rules Specifications V1.1.0. Collection method: clinical testing. Allele origin: germline. Affected: yes.
Comment: ACMG codes applied following ENIGMA VCEP rules: BP1_STR, PM2_SUP

Ambry Genetics
Classification: Uncertain significance for Hereditary cancer-predisposing syndrome. Last evaluated: 2024-01-12. Review status: criteria provided, single submitter. Criteria: Ambry Variant Classification Scheme 2023. Collection method: clinical testing. Allele origin: germline.
Comment: The p.T1122I variant (also known as c.3365C>T), located in coding exon 9 of the BRCA1 gene, results from a C to T substitution at nucleotide position 3365. The threonine at codon 1122 is replaced by isoleucine, an amino acid with similar properties. This amino acid position is poorly conserved in available vertebrate species. In addition, this alteration is predicted to be tolerated by in silico analysis. Since supporting evidence is limited at this time, the clinical significance of this alteration remains unclear.

University of Washington Department of Laboratory Medicine, University of Washington
Classification: Likely benign for Hereditary cancer-predisposing syndrome. Last evaluated: 2023-03-23. Review status: criteria provided, single submitter. Criteria: Dines et al. (Genet Med. 2020). Collection method: curation. Allele origin: germline.
Comment: Missense variant in a coldspot region where missense variants are very unlikely to be pathogenic (PMID:31911673).

BRCA1 coldspot (exon 11 using historical exon numbering). Reclassification based on statistical prior probability

NM_007294.4(BRCA1):c.3365C>T (p.Thr1122Ile)

Genes: BRCA1 (BRCA1 DNA repair associated; minus strand), LOC126862571 (BRD4-independent group 4 enhancer GRCh37_chr17:41243136-41244335; plus strand). Cytogenetic location: 17q21.31.
Variant type: single nucleotide variant.
Coding change: c.3365C>T on transcript NM_007294.4 (MANE Select); coding-DNA position 3365, C replaced by T.
Protein change: p.Thr1122Ile; replaces threonine 1122 with isoleucine.
Molecular consequence: missense variant. On other transcripts: intron variant (137).
Genome position (GRCh38, 1-based): chr17:43,092,166, G>A on the plus strand (C>T on the coding strand, the complement: BRCA1 is on the minus strand). VCF-style: chr17-43092166-G-A. GRCh37 (hg19) VCF-style: chr17-41244183-G-A.
Other names: c.662-1134C>T (NM_001408434.1, NM_001408446.1, NM_001408435.1 and 6 more transcripts); c.785-1134C>T (NM_001408398.1, NM_001408397.1, NM_001408401.1 and 13 more transcripts); c.3152C>T, p.Thr1051Ile (NM_001407571.1, NM_001407853.1, NM_001407894.1 and 9 more transcripts); c.3365C>T, p.Thr1122Ile (NM_001407581.1, NM_001407582.1, NM_001407583.1 and 30 more transcripts); c.3362C>T, p.Thr1121Ile (NM_001407587.1, NM_001407590.1, NM_001407591.1 and 22 more transcripts); c.3356C>T, p.Thr1119Ile (NM_001407646.1, NM_001407647.1); c.3242C>T, p.Thr1081Ile (NM_001407648.1, NM_001407664.1, NM_001407665.1 and 19 more transcripts); c.3239C>T, p.Thr1080Ile (NM_001407649.1, NM_001407670.1, NM_001407671.1 and 11 more transcripts); and 41 more; short protein forms T1075I, T1122I, T1011I, T1052I, T1054I, T1055I, T1080I, T1081I.
Identifiers: ClinVar variation 1044703 (VCV001044703.15), dbSNP rs2053599251, ClinGen allele CA10595248.